The following is an entry in ClinVar:

NM_001004341.2(ETV3L):c.813C>T (p.Leu271=)

Gene: ETV3L (ETS variant transcription factor 3 like; minus strand). Cytogenetic location: 1q23.1.
Variant type: single nucleotide variant.
Coding change: c.813C>T on transcript NM_001004341.2 (MANE Select); coding-DNA position 813, C replaced by T.
Protein change: p.Leu271=; no amino-acid change (leucine 271 retained).
Molecular consequence: synonymous variant.
Genome position (GRCh38, 1-based): chr1:157,092,922, G>A on the plus strand (C>T on the coding strand, the complement: ETV3L is on the minus strand). VCF-style: chr1-157092922-G-A. GRCh37 (hg19) VCF-style: chr1-157062714-G-A.
Identifiers: ClinVar variation 2639472 (VCV002639472.24), dbSNP rs1373423633, ClinGen allele CA421273576.

ClinVar aggregate classification (germline): Likely benign (1 of 4 stars; one submission).

Allele frequency attached by ClinVar (database versions not stated): gnomAD exomes below 0.00001.
gnomAD v4.1: 2 of 1,614,098 alleles (0.00012%); highest among the groups gnomAD compares: Admixed American, 0.0033%; no homozygotes.

Submission:

CeGaT Center for Human Genetics Tuebingen
Classification: Likely benign. Last evaluated: 2022-05-01. Review status: criteria provided, single submitter. Criteria: CeGaT Center For Human Genetics Tuebingen Variant Classification Criteria Version 2. Collection method: clinical testing. Allele origin: germline. Affected: yes. Observed: 1 variant allele.
Comment: ETV3L: BP4, BP7